The following is an entry in ClinVar:

NM_014795.4(ZEB2):c.3077_3084dup (p.Cys1029fs)

Gene: ZEB2 (zinc finger E-box binding homeobox 2; minus strand). Cytogenetic location: 2q22.3.
Variant type: Duplication.
Coding change: c.3077_3084dup on transcript NM_014795.4 (MANE Select); coding-DNA positions 3077 to 3084, 8 bases duplicated (CACATCAG; older notation c.3077_3084dupCACATCAG).
Protein change: p.Cys1029fs; shifts the reading frame from cysteine 1029.
Molecular consequence: frameshift variant.
Genome position (GRCh38, 1-based): chr2:144,390,012-144,390,019, CTGATGTG duplicated on the plus strand (CACATCAG on the coding strand, the reverse complement: ZEB2 is on the minus strand). VCF-style (leftmost placement, unchanged base first): chr2-144390011-A-ACTGATGTG. GRCh37 (hg19) VCF-style: chr2-145147578-A-ACTGATGTG.
Other names: c.3005_3012dup, p.Cys1005fs (NM_001171653.2); short protein forms C1005fs, C1029fs.
Identifiers: ClinVar variation 2771822 (VCV002771822.3), dbSNP rs2549101973, ClinGen allele CA2697551032.
Genomic context (GRCh38, chr2:144,390,011, plus strand): 5'-GAAGCCTTGAGTGCTCGATAAGGTGGTGCTTGTGTTTAAACGCTTTCTTACAAATCTGAC[A>ACTGATGTG]CTGATGTGGTCTTTTTCCTGGGAGAAAGAACAAGATGACAGGGTGATTAGTGTCTTTGCA-3'

ClinVar aggregate classification (germline): Pathogenic (1 of 4 stars; one submission).

Conditions:
Mowat-Wilson syndrome (MOWS). Also called: Classic Mowat-Wilson Syndrome. Identifiers: Orphanet 2152, MedGen C1856113, MONDO:0009341, OMIM 235730.

Submission:

Labcorp Genetics (formerly Invitae), Labcorp
Classification: Pathogenic for Mowat-Wilson syndrome. Last evaluated: 2023-10-25. Review status: criteria provided, single submitter. Criteria: Invitae Variant Classification Sherloc (09022015). Collection method: clinical testing. Allele origin: germline.
Comment: This sequence change creates a premature translational stop signal (p.Cys1029Hisfs*49) in the ZEB2 gene. While this is not anticipated to result in nonsense mediated decay, it is expected to disrupt the last 186 amino acid(s) of the ZEB2 protein. This variant is not present in population databases (gnomAD no frequency). This variant has not been reported in the literature in individuals affected with ZEB2-related conditions. This variant disrupts a region of the ZEB2 protein in which other variant(s) (p.Gln1119Arg) have been determined to be pathogenic (PMID: 16688751). This suggests that this is a clinically significant region of the protein, and that variants that disrupt it are likely to be disease-causing. For these reasons, this variant has been classified as Pathogenic.

Literature cited by the submitters: PubMed 16688751.